The following is an entry in ClinVar:

NM_001197104.2(KMT2A):c.8500T>C (p.Ser2834Pro)

Gene: KMT2A (lysine methyltransferase 2A; plus strand). Cytogenetic location: 11q23.3.
Variant type: single nucleotide variant.
Coding change: c.8500T>C on transcript NM_001197104.2 (MANE Select); coding-DNA position 8500, T replaced by C.
Protein change: p.Ser2834Pro; replaces serine 2834 with proline.
Molecular consequence: missense variant.
Genome position (GRCh38, 1-based): chr11:118,504,392, T>C. VCF-style: chr11-118504392-T-C. GRCh37 (hg19) VCF-style: chr11-118375107-T-C.
Other names: c.8590T>C, p.Ser2864Pro (NM_001412597.1); c.8491T>C, p.Ser2831Pro (NM_005933.4); short protein forms S2831P, S2834P, S2864P.
Identifiers: ClinVar variation 1984382 (VCV001984382.4), dbSNP rs539596480, ClinGen allele CA6304507.

ClinVar aggregate classification (germline): Uncertain significance (1 of 4 stars; one submission).

Allele frequency attached by ClinVar (database versions not stated): gnomAD exomes below 0.00001; TOPMed below 0.00001; gnomAD 0.00001; ExAC 0.00002; 1000 Genomes Project 0.00040; 1000 Genomes Project 30x 0.00047.
gnomAD v4.1: 4 of 1,614,104 alleles (0.00025%); highest among the groups gnomAD compares: East Asian, 0.0089%; no homozygotes.

Submission:

Labcorp Genetics (formerly Invitae), Labcorp
Classification: Uncertain significance. Last evaluated: 2025-12-10. Review status: criteria provided, single submitter. Criteria: Invitae Variant Classification Sherloc (09022015). Collection method: clinical testing. Allele origin: germline.
Comment: This sequence change replaces serine, which is neutral and polar, with proline, which is neutral and non-polar, at codon 2834 of the KMT2A protein (p.Ser2834Pro). This variant is present in population databases (rs539596480, gnomAD 0.02%). This variant has not been reported in the literature in individuals affected with KMT2A-related conditions. ClinVar contains an entry for this variant (Variation ID: 1984382). Invitae Evidence Modeling of protein sequence and biophysical properties (such as structural, functional, and spatial information, amino acid conservation, physicochemical variation, residue mobility, and thermodynamic stability) has been performed for this missense variant. However, the output from this modeling did not meet the statistical confidence thresholds required to predict the impact of this variant on KMT2A protein function. In summary, the available evidence is currently insufficient to determine the role of this variant in disease. Therefore, it has been classified as a Variant of Uncertain Significance.